The following is an entry in ClinVar:

NM_016373.4(WWOX):c.*46C>T

Genes: MAF (MAF bZIP transcription factor; minus strand), WWOX (WW domain containing oxidoreductase; plus strand). Cytogenetic location: 16q23.2.
Variant type: single nucleotide variant.
Coding change: c.*46C>T on transcript NM_016373.4 (MANE Select); 46 bases downstream of the stop codon, C replaced by T.
Molecular consequence: 3 prime UTR variant.
Genome position (GRCh38, 1-based): chr16:79,211,842, C>T. VCF-style: chr16-79211842-C-T. GRCh37 (hg19) VCF-style: chr16-79245739-C-T.
Other names: c.*46C>T (NM_001291997.2).
Identifiers: ClinVar variation 2578769 (VCV002578769.25), dbSNP rs369379648, ClinGen allele CA8183843.

ClinVar aggregate classification (germline): Likely benign (1 of 4 stars; one submission).

Allele frequency attached by ClinVar (database versions not stated): TOPMed 0.00046; gnomAD 0.00053; ESP Exome Variant Server 0.00058; ExAC 0.00059.
gnomAD v4.1: 1,046 of 1,611,258 alleles (0.065%); highest among the groups gnomAD compares: Non-Finnish European, 0.083%; no homozygotes.

Submission:

CeGaT Center for Human Genetics Tuebingen
Classification: Likely benign. Last evaluated: 2026-09-01. Review status: criteria provided, single submitter. Criteria: CeGaT Center For Human Genetics Tuebingen Variant Classification Criteria Version 2. Collection method: clinical testing. Allele origin: germline. Affected: yes. Observed: 4 variant alleles.
Comment: WWOX: BP4